The following is an entry in ClinVar:

ClinVar aggregate classification (germline): Benign. Review status: criteria provided, single submitter (1 of 4 stars). 2 submissions from 2 submitters: Benign (1). 1 of the submissions does not count toward it. Last evaluated 2024-01-24.

Conditions:
Mortality risk in patients with severe coronavirus disease (COVID-19).

Allele frequency attached by ClinVar (database versions not stated): gnomAD exomes 0.66241; gnomAD 0.68230; ESP Exome Variant Server 0.72690; 1000 Genomes Project 30x 0.61290; 1000 Genomes Project 0.60883; ExAC 0.62181; TOPMed 0.68963.
gnomAD v4.1: 1,063,519 of 1,601,928 alleles (66%); highest among the groups gnomAD compares: African/African-American, 81%; 357,868 homozygotes.

Submissions (2):

Unidad de Genómica Garrahan, Hospital de Pediatría Garrahan
Classification: Benign. Last evaluated: 2024-01-24. Review status: criteria provided, single submitter. Criteria: ACMG Guidelines, 2015. Collection method: clinical testing. Allele origin: germline. Affected: no. Observed: 76 variant alleles.
Comment: This variant is classified as Benign based on local population frequency. This variant was detected in 80% of patients studied by a panel of primary immunodeficiencies. Number of patients: 76. Only high quality variants are reported.

Pneumogenomics Laboratory, Instituto Nacional de Enfermedades Respiratorias Ismael Cosio Villegas
Classification: association for Mortality risk in patients with severe coronavirus disease (COVID-19). Last evaluated: 2022-05-06. Review status: no assertion criteria provided. Collection method: research. Allele origin: germline. Affected: yes. Not counted in ClinVar's aggregate classification.

NM_001289125.3(IFNAR2):c.98-43T>C

Genes: IFNAR2 (interferon alpha and beta receptor subunit 2; plus strand), IFNAR2-IL10RB (IFNAR2-IL10RB readthrough; plus strand). Cytogenetic location: 21q22.11.
Variant type: single nucleotide variant.
Coding change: c.98-43T>C on transcript NM_001289125.3 (MANE Select); 43 bases into the intron before coding-DNA position 98, T replaced by C.
Molecular consequence: intron variant.
Genome position (GRCh38, 1-based): chr21:33,244,908, T>C. VCF-style: chr21-33244908-T-C. GRCh37 (hg19) VCF-style: chr21-34617213-T-C.
Other names: c.98-43T>C (NM_000874.5, NM_001289128.2, NM_207584.3 and 4 more transcripts).
Identifiers: ClinVar variation 1684582 (VCV001684582.3), dbSNP rs2834158, ClinGen allele CA10005548.